The following is an entry in ClinVar:

ClinVar aggregate classification (germline): Pathogenic (1 of 4 stars; one submission).

Submission:

Labcorp Genetics (formerly Invitae), Labcorp
Classification: Pathogenic. Last evaluated: 2025-02-10. Review status: criteria provided, single submitter. Criteria: Invitae Variant Classification Sherloc (09022015). Collection method: clinical testing. Allele origin: germline.
Comment: This sequence change creates a premature translational stop signal (p.Ser280*) in the RXYLT1 gene. It is expected to result in an absent or disrupted protein product. Loss-of-function variants in RXYLT1 are known to be pathogenic (PMID: 23217329, 23519211, 31742715). This variant is not present in population databases (gnomAD no frequency). This variant has not been reported in the literature in individuals affected with RXYLT1-related conditions. For these reasons, this variant has been classified as Pathogenic.

Literature cited by the submitters: PubMed 23217329; PubMed 23519211; PubMed 31742715.

NM_014254.3(RXYLT1):c.839C>A (p.Ser280Ter)

Gene: RXYLT1 (ribitol xylosyltransferase 1; plus strand). Cytogenetic location: 12q14.2.
Variant type: single nucleotide variant.
Coding change: c.839C>A on transcript NM_014254.3 (MANE Select); coding-DNA position 839, C replaced by A.
Protein change: p.Ser280Ter; replaces serine 280 with a stop codon.
Molecular consequence: nonsense.
Genome position (GRCh38, 1-based): chr12:63,805,329, C>A. VCF-style: chr12-63805329-C-A. GRCh37 (hg19) VCF-style: chr12-64199109-C-A.
Other names: c.59C>A, p.Ser20Ter (NM_001278237.2); short protein forms S20*, S280*.
Identifiers: ClinVar variation 4712792 (VCV004712792.1).